The following is an entry in ClinVar:

ClinVar aggregate classification (germline): Likely pathogenic (1 of 4 stars; one submission).

Conditions:
LAMA2-related muscular dystrophy (LAMA2-RD). Also called: Laminin alpha 2-related dystrophy. Identifiers: MedGen C5679788, MONDO:0100228.

Submission:

Labcorp Genetics (formerly Invitae), Labcorp
Classification: Likely pathogenic for LAMA2-related muscular dystrophy. Last evaluated: 2022-08-18. Review status: criteria provided, single submitter. Criteria: Invitae Variant Classification Sherloc (09022015). Collection method: clinical testing. Allele origin: germline.
Comment: In summary, the currently available evidence indicates that the variant is pathogenic, but additional data are needed to prove that conclusively. Therefore, this variant has been classified as Likely Pathogenic. This variant has not been reported in the literature in individuals affected with LAMA2-related conditions. This variant results in a copy number gain of the genomic region encompassing exon(s) 2-3 of the LAMA2 gene. While the exact position of this variant cannot be determined from the data, sub-genic copy number gains are generally in tandem (PMID: 25640679). This variant is predicted to be out-of-frame, and may result in an absent or disrupted protein product. Loss-of-function variants in LAMA2 are known to be pathogenic (PMID: 18700894, 32904964).

Literature cited by the submitters: PubMed 25640679; PubMed 18700894; PubMed 32904964.

NC_000006.11:g.(?_129371053)_(129381051_?)dup

Gene: LAMA2 (laminin subunit alpha 2; plus strand). Cytogenetic location: 6q22.33.
Variant type: Duplication.
Identifiers: ClinVar variation 2423066 (VCV002423066.5).